The following is an entry in ClinVar:

ClinVar aggregate classification (germline): Uncertain significance (1 of 4 stars; one submission).

Conditions:
Combined oxidative phosphorylation defect type 27. Also called: Combined oxidative phosphorylation deficiency 27. Identifiers: Orphanet 477774, MedGen C5567608, MONDO:0014728, OMIM 616672.

gnomAD v4.1: 1 of 1,330,570 alleles (0.000075%); highest among the groups gnomAD compares: Non-Finnish European, 0.000096%; no homozygotes.

Submission:

Labcorp Genetics (formerly Invitae), Labcorp
Classification: Uncertain significance for Combined oxidative phosphorylation defect type 27. Last evaluated: 2020-12-03. Review status: criteria provided, single submitter. Criteria: Invitae Variant Classification Sherloc (09022015). Collection method: clinical testing. Allele origin: germline.
Comment: In summary, the available evidence is currently insufficient to determine the role of this variant in disease. Therefore, it has been classified as a Variant of Uncertain Significance. Algorithms developed to predict the effect of missense changes on protein structure and function output the following: SIFT: "Tolerated"; PolyPhen-2: "Not Available"; Align-GVGD: "Class C0". The proline amino acid residue is found in multiple mammalian species, suggesting that this missense change does not adversely affect protein function. These predictions have not been confirmed by published functional studies and their clinical significance is uncertain. This variant has not been reported in the literature in individuals with CARS2-related conditions. The frequency data for this variant in the population databases is considered unreliable, as metrics indicate insufficient coverage at this position in the ExAC database. This sequence change replaces leucine with proline at codon 10 of the CARS2 protein (p.Leu10Pro). The leucine residue is weakly conserved and there is a moderate physicochemical difference between leucine and proline.

NM_024537.4(CARS2):c.29T>C (p.Leu10Pro)

Genes: CARS2 (cysteinyl-tRNA synthetase 2, mitochondrial; minus strand), LOC130010127 (ATAC-STARR-seq lymphoblastoid silent region 5509; plus strand). Cytogenetic location: 13q34.
Variant type: single nucleotide variant.
Coding change: c.29T>C on transcript NM_024537.4 (MANE Select); coding-DNA position 29, T replaced by C.
Protein change: p.Leu10Pro; replaces leucine 10 with proline.
Molecular consequence: missense variant. On other transcripts: non-coding transcript variant (1), intron variant (1).
Genome position (GRCh38, 1-based): chr13:110,706,065, A>G on the plus strand (T>C on the coding strand, the complement: CARS2 is on the minus strand). VCF-style: chr13-110706065-A-G. GRCh37 (hg19) VCF-style: chr13-111358412-A-G.
Other names: c.29T>C, p.Leu10Pro (NM_001352253.3); c.-776+306T>C (NM_001352252.2); short protein forms L10P.
Identifiers: ClinVar variation 1409226 (VCV001409226.6), dbSNP rs1326381296, ClinGen allele CA388743511.